The following is an entry in ClinVar:

ClinVar aggregate classification (germline): Uncertain significance (1 of 4 stars; one submission).

Conditions:
Inborn genetic diseases. Identifiers: MedGen C0950123, MeSH D030342.

Submission:

Ambry Genetics
Classification: Uncertain significance for Inborn genetic diseases. Last evaluated: 2026-03-04. Review status: criteria provided, single submitter. Criteria: Ambry Variant Classification Scheme 2023. Collection method: clinical testing. Allele origin: germline.
Comment: The p.S230C variant (also known as c.688A>T), located in coding exon 6 of the FANCG gene, results from an A to T substitution at nucleotide position 688. The serine at codon 230 is replaced by cysteine, an amino acid with dissimilar properties. This amino acid position is conserved. In addition, this alteration is predicted to be tolerated by in silico analysis. Based on the available evidence, the clinical significance of this variant remains unclear.

NM_004629.2(FANCG):c.688A>T (p.Ser230Cys)

Gene: FANCG (FA complementation group G; minus strand). Cytogenetic location: 9p13.3.
Variant type: single nucleotide variant.
Coding change: c.688A>T on transcript NM_004629.2 (MANE Select); coding-DNA position 688, A replaced by T.
Protein change: p.Ser230Cys; replaces serine 230 with cysteine.
Molecular consequence: missense variant.
Genome position (GRCh38, 1-based): chr9:35,077,060, T>A on the plus strand (A>T on the coding strand, the complement: FANCG is on the minus strand). VCF-style: chr9-35077060-T-A. GRCh37 (hg19) VCF-style: chr9-35077057-T-A.
Other names: short protein forms S230C.
Identifiers: ClinVar variation 4825754 (VCV004825754.1).